The following is an entry in ClinVar:

ClinVar aggregate classification (germline): Likely pathogenic. Review status: criteria provided, multiple submitters, no conflicts (2 of 4 stars). 2 submissions from 2 submitters: Likely pathogenic (2). Last evaluated 2024-05-08.

Conditions:
Peroxisome biogenesis disorder 1A (Zellweger) (PBD1A). Also called: Peroxisome biogenesis disorder 1a; Zellweger leukodystrophy. Identifiers: MedGen C4721541, MONDO:0008953, OMIM 214100.
Peroxisome biogenesis disorder 1B (PBD1B). Also called: PEROXISOME BIOGENESIS DISORDER (NALD/IRD); ADRENOLEUKODYSTROPHY, AUTOSOMAL NEONATAL; PEROXISOME BIOGENESIS DISORDER (NEONATAL ADRENOLEUKODYSTROPHY/INFANTILE REFSUM DISEASE); INFANTILE PHYTANIC ACID STORAGE DISEASE; Refsum disease, infantile form; Infantile Refsum disease. Identifiers: Orphanet 44, MedGen C0282527, MONDO:0011101, OMIM 601539.
Zellweger spectrum disorders (ZS). Also called: Zellweger Spectrum Disorder; Zellweger Spectrum; Zellweger Spectrum Disorder (ZSD); Zellweger syndrome. Identifiers: Orphanet 912, MedGen C0043459, MONDO:0019609.

Allele frequency attached by ClinVar (database versions not stated): gnomAD exomes below 0.00001.
gnomAD v4.1: 2 of 1,599,832 alleles (0.00013%); highest among the groups gnomAD compares: Non-Finnish European, 0.00017%; no homozygotes.

Submissions (2):

Natera, Inc.
Classification: Likely pathogenic for Zellweger syndrome. Last evaluated: 2024-05-08. Review status: criteria provided, single submitter. Criteria: Natera Variant Classification Schema (03/2026). Collection method: clinical testing. Allele origin: germline.
Comment: The c.1340T>G variant in PEX1 is a nonsense variant predicted to introduce a stop codon at amino acid 447. This variant is expected to result in nonsense mediated decay, truncation, or a dysfunctional protein product. This variant is rare in the general population with a frequency below the threshold expected for the associated phenotype(s). Given the available evidence, this variant is classified as Likely Pathogenic.

Baylor Genetics
Classification: Likely pathogenic for Peroxisome biogenesis disorder 1A (Zellweger); Peroxisome biogenesis disorder 1B. Review status: criteria provided, single submitter. Criteria: ACMG Guidelines, 2015. Collection method: clinical testing. Allele origin: germline.

NM_000466.3(PEX1):c.1340T>G (p.Leu447Ter)

Gene: PEX1 (peroxisomal biogenesis factor 1; minus strand). Cytogenetic location: 7q21.2.
Variant type: single nucleotide variant.
Coding change: c.1340T>G on transcript NM_000466.3 (MANE Select); coding-DNA position 1340, T replaced by G.
Protein change: p.Leu447Ter; replaces leucine 447 with a stop codon.
Molecular consequence: nonsense.
Genome position (GRCh38, 1-based): chr7:92,513,867, A>C on the plus strand (T>G on the coding strand, the complement: PEX1 is on the minus strand). VCF-style: chr7-92513867-A-C. GRCh37 (hg19) VCF-style: chr7-92143181-A-C.
Other names: c.1340T>G (NM_000466.2); c.1340T>G, p.Leu447Ter (NM_001282677.2); c.716T>G, p.Leu239Ter (NM_001282678.2); short protein forms L239*, L447*.
Identifiers: ClinVar variation 813449 (VCV000813449.2), dbSNP rs1585248089, ClinGen allele CA368192451.